The following is an entry in ClinVar:

ClinVar aggregate classification (germline): Conflicting classifications of pathogenicity. Review status: criteria provided, conflicting classifications (1 of 4 stars). 3 submissions from 3 submitters: Uncertain significance (2); Likely benign (1). Last evaluated 2025-04-22.

Conditions:
Cardiovascular phenotype. Identifiers: MedGen CN230736.

gnomAD v4.1: 15 of 1,530,170 alleles (0.00098%); highest among the groups gnomAD compares: South Asian, 0.0048%; no homozygotes.

Submissions (3):

GeneDx
Classification: Uncertain significance. Last evaluated: 2025-04-22. Review status: criteria provided, single submitter. Criteria: GeneDx Variant Classification Process June 2021. Collection method: clinical testing. Allele origin: germline. Affected: yes.
Comment: Not observed at significant frequency in large population cohorts (gnomAD); In silico analysis indicates that this missense variant does not alter protein structure/function; This variant is associated with the following publications: (PMID: 37931168, 30615648)

Ambry Genetics
Classification: Likely benign for Cardiovascular phenotype. Last evaluated: 2024-04-12. Review status: criteria provided, single submitter. Criteria: Ambry Variant Classification Scheme 2023. Collection method: clinical testing. Allele origin: germline.

Blueprint Genetics
Classification: Uncertain significance. Last evaluated: 2023-10-06. Review status: criteria provided, single submitter. Criteria: ACMG Guidelines, 2015. Collection method: clinical testing. Allele origin: germline.

NM_020433.5(JPH2):c.1399C>T (p.Arg467Cys)

Gene: JPH2 (junctophilin 2; minus strand). Cytogenetic location: 20q13.12.
Variant type: single nucleotide variant.
Coding change: c.1399C>T on transcript NM_020433.5 (MANE Select); coding-DNA position 1399, C replaced by T.
Protein change: p.Arg467Cys; replaces arginine 467 with cysteine.
Molecular consequence: missense variant.
Genome position (GRCh38, 1-based): chr20:44,116,276, G>A on the plus strand (C>T on the coding strand, the complement: JPH2 is on the minus strand). VCF-style: chr20-44116276-G-A. GRCh37 (hg19) VCF-style: chr20-42744916-G-A.
Other names: short protein forms R467C.
Identifiers: ClinVar variation 3287228 (VCV003287228.3).